The following continues an entry in ClinVar:

NM_007194.4(CHEK2):c.1283C>T (p.Ser428Phe)

Gene: CHEK2. ClinVar aggregate classification (germline): Conflicting classifications of pathogenicity. Pathogenic (21); Likely pathogenic (11); Pathogenic, low penetrance (1); Established risk allele (1); Likely risk allele (1); Uncertain significance (1).

Submissions 20 to 30 of 42:

Women's Health and Genetics/Laboratory Corporation of America, LabCorp
Classification: Pathogenic for Hereditary breast ovarian cancer syndrome. Last evaluated: 2022-06-16. Review status: criteria provided, single submitter. Criteria: LabCorp Variant Classification Summary - May 2015. Collection method: clinical testing. Allele origin: germline.
Comment: Variant summary: CHEK2 c.1283C>T (p.Ser428Phe) results in a non-conservative amino acid change located in the Protein kinase domain (IPR000719) of the encoded protein sequence. Three of five in-silico tools predict a damaging effect of the variant on protein function. The variant allele was found at a frequency of 0.00059 in 272936 control chromosomes, predominantly within the Ashkenazi Jewish subpopulation at a frequency of 0.011 in the gnomAD database, including 1 homozygote. The observed variant frequency within Ashkenazi Jewish control individuals in the gnomAD database is approximately 35 fold of the estimated maximal expected allele frequency for a pathogenic variant in CHEK2 causing Hereditary Breast and Ovarian Cancer phenotype (0.00031), suggesting that the variant is a benign polymorphism found primarily in populations of Ashkenazi Jewish origin. In addition, the variant was reported in 10/7325 European American women (i.e. with a frequency of 0.00136), who were older than 70 years of age, and never had cancer (FLOSSIES database). However, the variant is located in a region that is highly homologous to CHEK2 pseudogenes and the technology utilized for these datasets does not rule out pseudogene interference, therefore these data might not be reliable. c.1283C>T has been reported in the literature in multiple individuals affected with Hereditary Breast and Ovarian Cancer and other tumor phenotypes who were primarily of Ashkenazi Jewish origin (e.g. Shaag_2005, Laitman_2007, Tischkowitz_2008, Walsh_2017). These data indicate that the variant is very likely to be associated with disease. One case-control study estimated that this variant confers a moderate risk (odds ratio: 2.13) for developing breast cancer in Ashkenazi Jewish individuals (Shaag_2005). Although two research groups indicated that this variant failed to segregate with the disease in one breast cancer and two prostate cancer families, this variant has been identified in affected individuals (predominantly of AJ ancestry) presenting with HBOC and was reported to segregate with the disease in three families, where at least three affected individuals per family carried the variant (Tischkowitz 2008 and Roeb 2012). Co-occurrences with other pathogenic variants were also noted in the literature, (e.g. BRCA1 185delAG, BRCA2 6174delT and CHEK2 c.1100delC, reported by Walsh 2017). However, the ages at diagnosis of some of these patients were among the youngest, thus likely indicating an additive effect rather than an evidence against pathogenicity (Walsh_2017). In functional studies by multiple independent research groups this variant showed a reduced ability to complement the lethality of a Rad53 deletion in S. cerevisiae (Shaag_2005, Tischkowitz_2008, Roeb_2012, Yilmaz_2014). Twenty-four assessments submitted to ClinVar after 2014 cite the variant as uncertain significance (n=1), likely pathogenic (n=5) and pathogenic (n=18) . Based on the evidence outlined above, the variant was classified as pathogenic.

Sema4
Classification: Pathogenic for Hereditary cancer-predisposing syndrome. Last evaluated: 2022-02-16. Review status: criteria provided, single submitter. Criteria: Sema4 Curation Guidelines. Collection method: curation. Allele origin: germline.
Comment: The CHEK2 c.1283C>T (p.S428F) variant is a well-known pathogenic founder variant in the Ashkenazi Jewish population. A large case-control study in Ashkenazi Jewish individuals showed a 2-fold increased risk (OR=2.13, 95% CI [1.26, 3.69], P=0.004) of breast cancer (PMID: 15649950). In vitro functional studies have shown that this variant alters CHEK2 protein function (PMID: 15649950, 22419737). This variant was observed in 116/10362 chromosomes in the Ashkenazi Jewish population, with 1 homozygote, according to the Genome Aggregation Database (PMID: 32461654) and has been reported in ClinVar (Variant ID 5603). Based on the current evidence available, this variant is interpreted as pathogenic with reduced penetrance.

Institute for Clinical Genetics, University Hospital TU Dresden, University Hospital TU Dresden
Classification: Likely pathogenic. Last evaluated: 2021-11-03. Review status: criteria provided, single submitter. Criteria: ACMG Guidelines, 2015. Collection method: clinical testing. Allele origin: germline.

Institute of Medical Genetics and Applied Genomics, University Hospital Tübingen
Classification: Likely pathogenic. Last evaluated: 2021-09-15. Review status: criteria provided, single submitter. Criteria: ACMG Guidelines, 2015. Collection method: clinical testing. Allele origin: germline. Inheritance: Autosomal dominant inheritance. Affected: yes.

AiLife Diagnostics
Classification: Pathogenic. Last evaluated: 2021-07-20. Review status: criteria provided, single submitter. Criteria: ACMG Guidelines, 2015. Collection method: clinical testing. Allele origin: germline. Affected: yes. Observed: 1 variant allele.

Laboratory for Molecular Medicine, Mass General Brigham Personalized Medicine
Classification: Pathogenic for CHEK2-related cancer risk. Last evaluated: 2020-06-09. Review status: criteria provided, single submitter. Criteria: LMM Criteria. Collection method: clinical testing. Allele origin: germline. Observed: 1 variant allele.
Comment: The p.Ser428Phe variant in CHEK2 has been reported in 21 individuals with CHEK2-related cancers including breast, ovarian and testicular germline cell cancer and segregated with disease in 12 affected individuals from seven families (Shaag 2005 PMID: 15649950, Laitman 2007 PMID: 18085035, Roeb 2012 PMID: 22419737, Desmond 2015 PMID: 26270727, Susswein 2015 PMID: 26681312, Cox 2018 PMID: 30152102 and AlDubayan 2019 PMID: 30676620). It has also been identified in 1.1% of Ashkenazi Jewish chromosomes by gnomAD as is thought to be a founder mutation in this population (Shaag 2005 PMID: 15649950). Also, please note that for diseases with clinical variability or reduced penetrance, pathogenic variants may be present at a low frequency in the general population. This variant has also been reported in ClinVar (Variation ID 5603). Computational prediction tools and conservation analyses suggest that this variant may impact the protein, though this information is not predictive enough to determine pathogenicity. In vivo functional studies in yeast support an impact on protein function (Shaag 2005 PMID: 15649950, Roeb 2012 PMID: 22419737). Furthermore, loss of heterozygosity was observed in breast tumors from two individuals heterozygous for this variant, suggesting it may be involved in tumor growth (Shaag 2005 PMID: 15649950). In summary, this variant meets criteria to be classified as pathogenic for autosomal dominant hereditary CHEK2-related cancers. ACMG/AMP Criteria applied: PS4, PP1_Strong, PS3_Moderate, PP3.

Department of Molecular Diagnostics, Institute of Oncology Ljubljana
Classification: Likely pathogenic for Familial cancer of breast. Last evaluated: 2020-04-02. Review status: criteria provided, single submitter. Criteria: ACMG Guidelines, 2015. Collection method: clinical testing. Allele origin: germline. Affected: yes.

GeneKor MSA
Classification: Likely pathogenic for Hereditary cancer-predisposing syndrome. Last evaluated: 2020-01-01. Review status: criteria provided, single submitter. Criteria: ACMG Guidelines, 2015. Collection method: clinical testing. Allele origin: germline. Affected: yes.
Comment: This sequence change replaces Serine with Phenylalanine at codon 428 of the CHEK2 protein. The serine residue is moderately conserved in the protein kinase domain of the CHEK2 protein and there is a large physiochemical difference between serine and phenylalanine (Grantham Score 155).This variant is present in population databases at a very low frequency (rs137853011, ExAC 0.06%) and is listed in the mutation database ClinVar (Variation ID:5603). This variant has been described in the literature in patients with breast cancer and prostate cancer (PMID: 31159747,18571837) and has been shown in individuals of Ashkenazy Jewish descent to increase the risk of breast cancer approximately 2-fold (PMID:15649950 ). No similar studies have been carried out in other populations. Furthermore, experimental studies in yeast have shown that this variant disrupts CHEK2 protein function (PMID: 15649950, 22419737).

Knight Diagnostic Laboratories, Oregon Health and Sciences University
Classification: Pathogenic for Hereditary cancer-predisposing syndrome. Last evaluated: 2019-08-14. Review status: criteria provided, single submitter. Criteria: ACMG Guidelines, 2015. Collection method: clinical testing. Allele origin: germline. Observed: 2 variant alleles.

Revvity Omics, Revvity
Classification: Pathogenic. Last evaluated: 2019-01-14. Review status: criteria provided, single submitter. Criteria: ACMG Guidelines, 2015. Collection method: clinical testing. Allele origin: germline.

Mendelics
Classification: Pathogenic for Familial cancer of breast. Last evaluated: 2018-07-02. Review status: criteria provided, single submitter. Criteria: Mendelics Assertion Criteria 2017. Collection method: clinical testing. Allele origin: unknown.